The following is an entry in ClinVar:

ClinVar aggregate classification (germline): Uncertain significance (1 of 4 stars; one submission).

Submission:

Ambry Genetics
Classification: Uncertain significance. Last evaluated: 2024-04-26. Review status: criteria provided, single submitter. Criteria: Ambry Variant Classification Scheme 2023. Collection method: clinical testing. Allele origin: germline.
Comment: The p.T688A variant (also known as c.2062A>G), located in coding exon 1 of the MLH3 gene, results from an A to G substitution at nucleotide position 2062. The threonine at codon 688 is replaced by alanine, an amino acid with similar properties. This amino acid position is conserved. In addition, this alteration is predicted to be tolerated by in silico analysis. Based on the available evidence, the clinical significance of this variant remains unclear.

NM_001040108.2(MLH3):c.2062A>G (p.Thr688Ala)

Gene: MLH3 (mutL homolog 3; minus strand). Cytogenetic location: 14q24.3.
Variant type: single nucleotide variant.
Coding change: c.2062A>G on transcript NM_001040108.2 (MANE Select); coding-DNA position 2062, A replaced by G.
Protein change: p.Thr688Ala; replaces threonine 688 with alanine.
Molecular consequence: missense variant.
Genome position (GRCh38, 1-based): chr14:75,047,594, T>C on the plus strand (A>G on the coding strand, the complement: MLH3 is on the minus strand). VCF-style: chr14-75047594-T-C. GRCh37 (hg19) VCF-style: chr14-75514297-T-C.
Other names: c.2062A>G, p.Thr688Ala (NM_014381.3); short protein forms T688A.
Identifiers: ClinVar variation 3295119 (VCV003295119.1).
Genomic context (GRCh38, chr14:75,047,594, plus strand): 5'-AATCTGTTTGTGATTTTTTGCTACCTTCCTGAAAAGCAGAAAACATTGTATAAGTTGCTG[T>C]AGGTTCATTCTCTAGCCCATAACTTATATTCGTTCTGCAATTTTTTTTGTTGGGCAATTG-3'
Protein context (NP_001035197.1, residues 678-698): NISYGLENEP[Thr688Ala]ATYTMFSAFQ